The following is an entry in ClinVar:

ClinVar aggregate classification (germline): Pathogenic/Likely pathogenic. Review status: criteria provided, multiple submitters, no conflicts (2 of 4 stars). 2 submissions from 2 submitters: Pathogenic (1); Likely pathogenic (1). Last evaluated 2025-10-08.

Conditions:
Primary ciliary dyskinesia. Also called: Ciliary dyskinesia. Identifiers: Orphanet 244, MedGen C0008780, MONDO:0016575, HP:0012265.

Allele frequency attached by ClinVar (database versions not stated): gnomAD 0.00001; TOPMed 0.00001.

Submissions (2):

Natera, Inc.
Classification: Likely pathogenic for Primary ciliary dyskinesia. Last evaluated: 2025-10-08. Review status: criteria provided, single submitter. Criteria: Natera Variant Classification Schema (03/2026). Collection method: clinical testing. Allele origin: germline.
Comment: The c.272dup variant in DNAI1 is a frameshift variant predicted to shift the reading frame and introduce a stop codon. This variant is expected to result in nonsense mediated decay, truncation, or a dysfunctional protein product. This variant is rare in the general population with a frequency below the threshold expected for the associated phenotype(s). Given the available evidence, this variant is classified as Likely Pathogenic.

Labcorp Genetics (formerly Invitae), Labcorp
Classification: Pathogenic for Primary ciliary dyskinesia. Last evaluated: 2022-09-29. Review status: criteria provided, single submitter. Criteria: Invitae Variant Classification Sherloc (09022015). Collection method: clinical testing. Allele origin: germline.
Comment: For these reasons, this variant has been classified as Pathogenic. This variant has not been reported in the literature in individuals affected with DNAI1-related conditions. This variant is not present in population databases (gnomAD no frequency). This sequence change creates a premature translational stop signal (p.Tyr91*) in the DNAI1 gene. It is expected to result in an absent or disrupted protein product. Loss-of-function variants in DNAI1 are known to be pathogenic (PMID: 16858015, 29363216).

Literature cited by the submitters: PubMed 16858015 (cited by Labcorp Genetics (formerly Invitae), Labcorp); PubMed 29363216 (cited by Labcorp Genetics (formerly Invitae), Labcorp).

NM_012144.4(DNAI1):c.272dup (p.Tyr91Ter)

Gene: DNAI1 (dynein axonemal intermediate chain 1; plus strand). Cytogenetic location: 9p13.3.
Variant type: Duplication.
Coding change: c.272dup on transcript NM_012144.4 (MANE Select); coding-DNA position 272, one base duplicated (A; older notation c.272dupA).
Protein change: p.Tyr91Ter; replaces tyrosine 91 with a stop codon.
Molecular consequence: nonsense.
Genome position (GRCh38, 1-based): chr9:34,489,333, A duplicated. VCF-style (leftmost placement, unchanged base first): chr9-34489332-T-TA. GRCh37 (hg19) VCF-style: chr9-34489330-T-TA.
Other names: c.272dup (NM_012144.3); c.272dup, p.Tyr91Ter (NM_001281428.2); short protein forms Y91*.
Identifiers: ClinVar variation 2186128 (VCV002186128.5), dbSNP rs1416324075, ClinGen allele CA863449919.